The following is an entry in ClinVar:

NM_007294.4(BRCA1):c.5174A>C (p.Glu1725Ala)

Gene: BRCA1 (BRCA1 DNA repair associated; minus strand). Cytogenetic location: 17q21.31.
Variant type: single nucleotide variant.
Coding change: c.5174A>C on transcript NM_007294.4 (MANE Select); coding-DNA position 5174, A replaced by C.
Protein change: p.Glu1725Ala; replaces glutamic acid 1725 with alanine.
Molecular consequence: missense variant. On other transcripts: non-coding transcript variant (1).
Genome position (GRCh38, 1-based): chr17:43,063,352, T>G on the plus strand (A>C on the coding strand, the complement: BRCA1 is on the minus strand). VCF-style: chr17-43063352-T-G. GRCh37 (hg19) VCF-style: chr17-41215369-T-G.
Other names: c.4961A>C, p.Glu1654Ala (NM_001407571.1, NM_001407900.1, NM_001407902.1 and 12 more transcripts); c.5240A>C, p.Glu1747Ala (NM_001407581.1, NM_001407582.1); c.5237A>C, p.Glu1746Ala (NM_001407583.1, NM_001407585.1, NM_001407587.1 and 1 more transcripts); c.5171A>C, p.Glu1724Ala (NM_001407610.1, NM_001407611.1, NM_001407612.1 and 17 more transcripts); c.5168A>C, p.Glu1723Ala (NM_001407629.1, NM_001407630.1, NM_001407631.1 and 14 more transcripts); c.5114A>C, p.Glu1705Ala (NM_001407649.1); c.5096A>C, p.Glu1699Ala (NM_001407652.1, NM_001407653.1, NM_001407654.1 and 1 more transcripts); c.5093A>C, p.Glu1698Ala (NM_001407656.1, NM_001407657.1, NM_001407658.1); and 72 more; short protein forms E1725A, E1746A, E621A, E1678A, E1596A, E1598A, E1613A, E1653A.
Identifiers: ClinVar variation 868770 (VCV000868770.3), dbSNP rs2051862353, ClinGen allele CA10591197.

Conditions:
Breast-ovarian cancer, familial, susceptibility to, 1 (BROVCA1). Also called: BRCA1 Hereditary Breast and Ovarian Cancer; OVARIAN CANCER, SUSCEPTIBILITY TO. Identifiers: Orphanet 145, MedGen C2676676, MONDO:0011450, OMIM 604370. Disease mechanism: loss of function.

Submission:

Brotman Baty Institute, University of Washington
No classification provided (evidence only). Condition: Breast-ovarian cancer, familial 1. Review status: no classification provided. Collection method: in vitro. Allele origin: not applicable. Functional consequence: functionally_normal.
ClinVar note: "not provided" was previously submitted as the classification for the variant. However, the classification appeared to be based only on an observation of functional data so it was converted to no classification on 2025-07-30.